The following is an entry in ClinVar:

NM_000489.6(ATRX):c.4620TGAAGA[1] (p.1540DE[1])

Gene: ATRX (ATRX chromatin remodeler; minus strand). Cytogenetic location: Xq21.1.
Variant type: Microsatellite.
Coding change: c.4620TGAAGA[1] on transcript NM_000489.6 (MANE Select); one copy of the 6-base unit TGAAGA starting at c.4620; the reference has two copies in a row; one copy, 6 bases deleted.
Protein change: p.1540DE[1].
Molecular consequence: inframe deletion.
Genome position (GRCh38, 1-based): chrX:77,635,983-77,635,988, TCTTCA deleted on the plus strand (TGAAGA on the coding strand, the reverse complement: ATRX is on the minus strand); deleting any 6 consecutive bases within chrX:77,635,983-77,635,997 gives the same sequence; the position shown is the placement nearest the transcript's 3' end. VCF-style (leftmost placement, unchanged base first): chrX-77635982-TTCTTCA-T. GRCh37 (hg19) VCF-style: chrX-76891473-TTCTTCA-T.
Other names: c.4506TGAAGA[1], p.1502DE[1] (NM_138270.5); c.4626_4631del6 (NM_000489.4).
Identifiers: ClinVar variation 210497 (VCV000210497.20), dbSNP rs797045406, ClinGen allele CA277098.

ClinVar aggregate classification (germline): Conflicting classifications of pathogenicity. Review status: criteria provided, conflicting classifications (1 of 4 stars). 4 submissions from 4 submitters: Pathogenic (1); Likely pathogenic (1); Uncertain significance (1). 1 of the submissions does not count toward it. Last evaluated 2023-12-13.

Conditions:
ATRX-related disorder. Also called: ATRX-related condition.
Alpha-thalassemia/intellectual disability syndrome. Identifiers: MedGen C0475813.
Alpha thalassemia-X-linked intellectual disability syndrome (ATRX). Also called: X-linked alpha-thalassemia-mental retardation syndrome; ATR-X syndrome; Alpha thalassemia mental retardation syndrome, nondeletion type, X-linked; XLMR hypotonic face syndrome; ALPHA-THALASSEMIA/MENTAL RETARDATION SYNDROME, X-LINKED; ALPHA-THALASSEMIA/IMPAIRED INTELLECTUAL DEVELOPMENT SYNDROME, X-LINKED. Identifiers: Orphanet 847, MedGen C1845055, MONDO:0010519, OMIM 301040.

Submissions (4):

GeneDx
Classification: Likely pathogenic. Last evaluated: 2023-12-13. Review status: criteria provided, single submitter. Criteria: GeneDx Variant Classification Process June 2021. Collection method: clinical testing. Allele origin: germline.
Comment: In silico analysis supports a deleterious effect on protein structure/function; In-frame deletion of 2 amino acids in a non-repeat region; Not observed at significant frequency in large population cohorts (gnomAD); This variant is associated with the following publications: (PMID: 21505078, 33176815, 11449489)

Labcorp Genetics (formerly Invitae), Labcorp
Classification: Uncertain significance for Alpha thalassemia-X-linked intellectual disability syndrome. Last evaluated: 2018-08-05. Review status: criteria provided, single submitter. Criteria: Invitae Variant Classification Sherloc (09022015). Collection method: clinical testing. Allele origin: germline.
Comment: This variant, c.4626_4631delTGAAGA, results in the deletion of 2 amino acids of the ATRX protein (p.Asp1542_Glu1543del), but otherwise preserves the integrity of the reading frame. This variant is not present in population databases (ExAC no frequency). This variant has been observed in a family affected with moderate mental retardation, expressive language delay, HbH inclusions, and hypospodia (PMID: 11449489). This variant is also known as c.4832_4837del; p.1540_1541delDE in the literature. ClinVar contains an entry for this variant (Variation ID: 210497). Experimental studies have shown that this deletion results in lower mRNA and protein levels (PMID: 21505078). In summary, the available evidence is currently insufficient to determine the role of this variant in disease. Therefore, it has been classified as a Variant of Uncertain Significance.

Genetic Services Laboratory, University of Chicago
Classification: Pathogenic for Alpha-thalassemia/mental retardation syndrome. Last evaluated: 2016-12-21. Review status: criteria provided, single submitter. Criteria: ACMG Guidelines, 2015. Collection method: clinical testing. Allele origin: germline. Affected: yes.

PreventionGenetics, part of Exact Sciences
Classification: Likely pathogenic for ATRX-related condition. Last evaluated: 2023-10-29. Review status: no assertion criteria provided. Collection method: clinical testing. Allele origin: germline. Not counted in ClinVar's aggregate classification.
Comment: The ATRX c.4626_4631del6 variant is predicted to result in an in-frame deletion (p.Asp1542_Glu1543del). This variant has been reported in the hemizygous state in individuals with ATRX syndrome (Gibbons et al. 2000. PubMed ID: 11449489; Table S1, Mitson et al. 2011. PubMed ID: 21505078; Lin et al. 2020. PubMed ID: 33176815). This variant has not been reported in a large population database, indicating this variant is rare. This variant is interpreted as likely pathogenic.

Literature cited by the submitters: PubMed 11449489 (cited by Labcorp Genetics (formerly Invitae), Labcorp); PubMed 21505078 (cited by Labcorp Genetics (formerly Invitae), Labcorp).